The following is an entry in ClinVar:

ClinVar aggregate classification (germline): Uncertain significance. Review status: criteria provided, multiple submitters, no conflicts (2 of 4 stars). 2 submissions from 2 submitters: Uncertain significance (2). Last evaluated 2025-02-18.

Allele frequency attached by ClinVar (database versions not stated): ExAC 0.00001; gnomAD exomes 0.00001; gnomAD 0.00002; TOPMed 0.00002.
gnomAD v4.1: 7 of 1,614,034 alleles (0.00043%); highest among the groups gnomAD compares: Non-Finnish European, 0.00059%; no homozygotes.

Submissions (2):

GeneDx
Classification: Uncertain significance. Last evaluated: 2025-02-18. Review status: criteria provided, single submitter. Criteria: GeneDx Variant Classification Process June 2021. Collection method: clinical testing. Allele origin: germline. Affected: yes.
Comment: In silico analysis indicates that this missense variant does not alter protein structure/function; Has not been previously published as pathogenic or benign to our knowledge

Labcorp Genetics (formerly Invitae), Labcorp
Classification: Uncertain significance. Last evaluated: 2024-03-01. Review status: criteria provided, single submitter. Criteria: Invitae Variant Classification Sherloc (09022015). Collection method: clinical testing. Allele origin: germline.
Comment: This sequence change replaces glutamine, which is neutral and polar, with histidine, which is basic and polar, at codon 273 of the FLNB protein (p.Gln273His). This variant is present in population databases (rs780494761, gnomAD 0.002%). This variant has not been reported in the literature in individuals affected with FLNB-related conditions. ClinVar contains an entry for this variant (Variation ID: 2107003). Advanced modeling of protein sequence and biophysical properties (such as structural, functional, and spatial information, amino acid conservation, physicochemical variation, residue mobility, and thermodynamic stability) performed at Invitae indicates that this missense variant is not expected to disrupt FLNB protein function with a negative predictive value of 95%. In summary, the available evidence is currently insufficient to determine the role of this variant in disease. Therefore, it has been classified as a Variant of Uncertain Significance.

NM_001457.4(FLNB):c.819G>T (p.Gln273His)

Gene: FLNB (filamin B; plus strand). Cytogenetic location: 3p14.3.
Variant type: single nucleotide variant.
Coding change: c.819G>T on transcript NM_001457.4 (MANE Select); coding-DNA position 819, G replaced by T.
Protein change: p.Gln273His; replaces glutamine 273 with histidine.
Molecular consequence: missense variant.
Genome position (GRCh38, 1-based): chr3:58,094,867, G>T. VCF-style: chr3-58094867-G-T. GRCh37 (hg19) VCF-style: chr3-58080594-G-T.
Other names: c.819G>T (NM_001457.3); c.819G>T, p.Gln273His (NM_001164317.2, NM_001164318.2, NM_001164319.2); short protein forms Q273H.
Identifiers: ClinVar variation 2107003 (VCV002107003.5), dbSNP rs780494761, ClinGen allele CA2467639.
Genomic context (GRCh38, chr3:58,094,867, plus strand): 5'-TCTAACATGTCTGTGTAAACCTGTGGCAGGAATCGAGCCCACTGGAAACATGGTGAAGCA[G>T]CCAGCCAAGTTCACTGTGGACACCATCAGCGCCGGGCAAGGAGACGTGATGGTGTTTGTT-3'
Protein context (NP_001448.2, residues 263-283): GIEPTGNMVK[Gln273His]PAKFTVDTIS